The following is an entry in ClinVar:

NM_001256789.3(CACNA1F):c.1582G>A (p.Val528Ile)

Gene: CACNA1F (calcium voltage-gated channel subunit alpha1 F; minus strand). Cytogenetic location: Xp11.23.
Variant type: single nucleotide variant.
Coding change: c.1582G>A on transcript NM_001256789.3 (MANE Select); coding-DNA position 1582, G replaced by A.
Protein change: p.Val528Ile; replaces valine 528 with isoleucine.
Molecular consequence: missense variant.
Genome position (GRCh38, 1-based): chrX:49,225,978, C>T on the plus strand (G>A on the coding strand, the complement: CACNA1F is on the minus strand). VCF-style: chrX-49225978-C-T. GRCh37 (hg19) VCF-style: chrX-49082440-C-T.
Other names: c.1420G>A, p.Val474Ile (NM_001256790.3); c.1615G>A, p.Val539Ile (NM_005183.4); short protein forms V474I, V528I, V539I.
Identifiers: ClinVar variation 1045013 (VCV001045013.8), dbSNP rs201932840, ClinGen allele CA412916340.

ClinVar aggregate classification (germline): Uncertain significance (1 of 4 stars; one submission).

Allele frequency attached by ClinVar (database versions not stated): gnomAD 0.00001.
gnomAD v4.1: 2 of 1,171,456 alleles (0.00017%); highest among the groups gnomAD compares: African/African-American, 0.0018%; no homozygotes.

Submission:

Labcorp Genetics (formerly Invitae), Labcorp
Classification: Uncertain significance. Last evaluated: 2024-05-02. Review status: criteria provided, single submitter. Criteria: Invitae Variant Classification Sherloc (09022015). Collection method: clinical testing. Allele origin: germline.
Comment: This sequence change replaces valine, which is neutral and non-polar, with isoleucine, which is neutral and non-polar, at codon 539 of the CACNA1F protein (p.Val539Ile). This variant is present in population databases (no rsID available, gnomAD 0.002%). This variant has not been reported in the literature in individuals affected with CACNA1F-related conditions. ClinVar contains an entry for this variant (Variation ID: 1045013). Advanced modeling of protein sequence and biophysical properties (such as structural, functional, and spatial information, amino acid conservation, physicochemical variation, residue mobility, and thermodynamic stability) has been performed at Invitae for this missense variant, however the output from this modeling did not meet the statistical confidence thresholds required to predict the impact of this variant on CACNA1F protein function. In summary, the available evidence is currently insufficient to determine the role of this variant in disease. Therefore, it has been classified as a Variant of Uncertain Significance.